The following is an entry in ClinVar:

ClinVar aggregate classification (germline): Uncertain significance. Review status: criteria provided, multiple submitters, no conflicts (2 of 4 stars). 2 submissions from 2 submitters: Uncertain significance (2). Last evaluated 2023-11-02.

Allele frequency attached by ClinVar (database versions not stated): gnomAD exomes 0.00002 and 0.00004; ExAC 0.00003; gnomAD 0.00003; TOPMed 0.00003.
gnomAD v4.1: 29 of 1,578,824 alleles (0.0018%); highest among the groups gnomAD compares: Non-Finnish European, 0.00086%; no homozygotes.

Submissions (2):

Blueprint Genetics
Classification: Uncertain significance. Last evaluated: 2023-11-02. Review status: criteria provided, single submitter. Criteria: ACMG Guidelines, 2015. Collection method: clinical testing. Allele origin: germline.

Labcorp Genetics (formerly Invitae), Labcorp
Classification: Uncertain significance. Last evaluated: 2023-06-13. Review status: criteria provided, single submitter. Criteria: Invitae Variant Classification Sherloc (09022015). Collection method: clinical testing. Allele origin: germline.
Comment: In summary, the available evidence is currently insufficient to determine the role of this variant in disease. Therefore, it has been classified as a Variant of Uncertain Significance. An algorithm developed to predict the effect of missense changes on protein structure and function (PolyPhen-2) suggests that this variant is likely to be tolerated. ClinVar contains an entry for this variant (Variation ID: 1367364). This variant has not been reported in the literature in individuals affected with SLC24A1-related conditions. This variant is present in population databases (rs763726316, gnomAD 0.08%). This sequence change replaces glutamic acid, which is acidic and polar, with lysine, which is basic and polar, at codon 713 of the SLC24A1 protein (p.Glu713Lys).

NM_004727.3(SLC24A1):c.2137G>A (p.Glu713Lys)

Gene: SLC24A1 (solute carrier family 24 member 1; plus strand). Cytogenetic location: 15q22.31.
Variant type: single nucleotide variant.
Coding change: c.2137G>A on transcript NM_004727.3 (MANE Select); coding-DNA position 2137, G replaced by A.
Protein change: p.Glu713Lys; replaces glutamic acid 713 with lysine.
Molecular consequence: missense variant.
Genome position (GRCh38, 1-based): chr15:65,644,510, G>A. VCF-style: chr15-65644510-G-A. GRCh37 (hg19) VCF-style: chr15-65936848-G-A.
Other names: c.118G>A, p.Glu40Lys (NM_001254740.2); c.2137G>A, p.Glu713Lys (NM_001301031.1); c.2083G>A, p.Glu695Lys (NM_001301032.1, NM_001301033.2); short protein forms E40K, E713K, E695K.
Identifiers: ClinVar variation 1367364 (VCV001367364.7), dbSNP rs763726316, ClinGen allele CA7620094.
Genomic context (GRCh38, chr15:65,644,510, plus strand): 5'-GAGGAGAGCTTGAATCAAGGGGCCAGAGCCCAACCCCAGGCCAAAGCAGAAAGCAAACCA[G>A]AAGGTGAGAGGATGGCCAGACCAGTGGGTTTTCTCCTGCCCCCCTCTCCCTGCTGTCAGT-3'
Protein context (NP_004718.1, residues 703-723): QPQAKAESKP[Glu713Lys]EEEPAKLPAV